The following is an entry in ClinVar:

ClinVar aggregate classification (germline): Likely pathogenic. Review status: criteria provided, multiple submitters, no conflicts (2 of 4 stars). 2 submissions from 2 submitters: Likely pathogenic (2). Last evaluated 2025-03-24.

Conditions:
Marfan syndrome (MFS). Also called: FBN1-Related Marfan Syndrome; Marfan syndrome, classic; MARFAN SYNDROME, TYPE I; Marfan syndrome type 1; Marfan's syndrome. Identifiers: Orphanet 284963, Orphanet 558, MedGen C0024796, MONDO:0007947, OMIM 154700.
Familial thoracic aortic aneurysm and aortic dissection (TAAD). Also called: Thoracic aortic aneurysms and dissections. Identifiers: Orphanet 91387, MedGen C4707243, MONDO:0019625.

Submissions (2):

Labcorp Genetics (formerly Invitae), Labcorp
Classification: Likely pathogenic for Marfan syndrome; Familial thoracic aortic aneurysm and aortic dissection. Last evaluated: 2025-03-24. Review status: criteria provided, single submitter. Criteria: Invitae Variant Classification Sherloc (09022015). Collection method: clinical testing. Allele origin: germline.
Comment: This sequence change replaces cysteine, which is neutral and slightly polar, with arginine, which is basic and polar, at codon 299 of the FBN1 protein (p.Cys299Arg). This variant is not present in population databases (gnomAD no frequency). This variant has not been reported in the literature in individuals affected with FBN1-related conditions. ClinVar contains an entry for this variant (Variation ID: 807250). Invitae Evidence Modeling of protein sequence and biophysical properties (such as structural, functional, and spatial information, amino acid conservation, physicochemical variation, residue mobility, and thermodynamic stability) indicates that this missense variant is expected to disrupt FBN1 protein function with a positive predictive value of 95%. This variant affects a cysteine residue in the EGF-like, TGFBP or hybrid motif domains of FBN1. Cysteine residues are believed to be involved in intramolecular disulfide bridges and have been shown to be important for FBN1 protein structure (PMID: 16905551, 19349279). In addition, missense substitutions affecting cysteine residues within these domains are significantly overrepresented among patients with Marfan syndrome (PMID: 16571647, 17701892). In summary, the currently available evidence indicates that the variant is pathogenic, but additional data are needed to prove that conclusively. Therefore, this variant has been classified as Likely Pathogenic.

CeGaT Center for Human Genetics Tuebingen
Classification: Likely pathogenic. Last evaluated: 2020-01-01. Review status: criteria provided, single submitter. Criteria: CeGaT Center For Human Genetics Tuebingen Variant Classification Criteria Version 2. Collection method: clinical testing. Allele origin: germline. Affected: yes. Observed: 6 variant alleles.

Literature cited by the submitters: PubMed 16905551 (cited by Labcorp Genetics (formerly Invitae), Labcorp); PubMed 19349279 (cited by Labcorp Genetics (formerly Invitae), Labcorp); PubMed 16571647 (cited by Labcorp Genetics (formerly Invitae), Labcorp); PubMed 17701892 (cited by Labcorp Genetics (formerly Invitae), Labcorp).

NM_000138.5(FBN1):c.895T>C (p.Cys299Arg)

Gene: FBN1 (fibrillin 1; minus strand). Cytogenetic location: 15q21.1.
Variant type: single nucleotide variant.
Coding change: c.895T>C on transcript NM_000138.5 (MANE Select); coding-DNA position 895, T replaced by C.
Protein change: p.Cys299Arg; replaces cysteine 299 with arginine.
Molecular consequence: missense variant.
Genome position (GRCh38, 1-based): chr15:48,526,223, A>G on the plus strand (T>C on the coding strand, the complement: FBN1 is on the minus strand). VCF-style: chr15-48526223-A-G. GRCh37 (hg19) VCF-style: chr15-48818420-A-G.
Other names: short protein forms C299R.
Identifiers: ClinVar variation 807250 (VCV000807250.44), dbSNP rs1597587564, ClinGen allele CA392350420.